The following is an entry in ClinVar:

ClinVar aggregate classification (germline): Uncertain significance (1 of 4 stars; one submission).

Submission:

Labcorp Genetics (formerly Invitae), Labcorp
Classification: Uncertain significance. Last evaluated: 2024-12-04. Review status: criteria provided, single submitter. Criteria: Invitae Variant Classification Sherloc (09022015). Collection method: clinical testing. Allele origin: germline.
Comment: This sequence change replaces glutamine, which is neutral and polar, with arginine, which is basic and polar, at codon 830 of the ALPK3 protein (p.Gln830Arg). This variant is not present in population databases (gnomAD no frequency). This variant has not been reported in the literature in individuals affected with ALPK3-related conditions. Invitae Evidence Modeling of protein sequence and biophysical properties (such as structural, functional, and spatial information, amino acid conservation, physicochemical variation, residue mobility, and thermodynamic stability) indicates that this missense variant is not expected to disrupt ALPK3 protein function with a negative predictive value of 80%. In summary, the available evidence is currently insufficient to determine the role of this variant in disease. Therefore, it has been classified as a Variant of Uncertain Significance.

NM_020778.5(ALPK3):c.1883A>G (p.Gln628Arg)

Gene: ALPK3 (alpha kinase 3; plus strand). Cytogenetic location: 15q25.3.
Variant type: single nucleotide variant.
Coding change: c.1883A>G on transcript NM_020778.5 (MANE Select); coding-DNA position 1883, A replaced by G.
Protein change: p.Gln628Arg; replaces glutamine 628 with arginine.
Molecular consequence: missense variant.
Genome position (GRCh38, 1-based): chr15:84,856,621, A>G. VCF-style: chr15-84856621-A-G. GRCh37 (hg19) VCF-style: chr15-85399852-A-G.
Other names: short protein forms Q628R.
Identifiers: ClinVar variation 3666620 (VCV003666620.2).